The following is an entry in ClinVar:

ClinVar aggregate classification (germline): Uncertain significance (1 of 4 stars; one submission).

Conditions:
Mucopolysaccharidosis, MPS-III-D (MPS3D). Also called: N-ACETYLGLUCOSAMINE-6-SULFATASE DEFICIENCY; SANFILIPPO SYNDROME D; MPS III D; Mucopoly-saccharidosis type 3D; N-acetylglucosamine-6-sulfate sulfatase deficiency; MPS 3D. Identifiers: Orphanet 581, Orphanet 79272, MedGen C0086650, MONDO:0009658, OMIM 252940.

Allele frequency attached by ClinVar (database versions not stated): gnomAD 0.00001; TOPMed 0.00002; gnomAD exomes below 0.00001.
gnomAD v4.1: 3 of 1,611,996 alleles (0.00019%); highest among the groups gnomAD compares: Non-Finnish European, 0.00025%; no homozygotes.

Submission:

Labcorp Genetics (formerly Invitae), Labcorp
Classification: Uncertain significance for Mucopolysaccharidosis, MPS-III-D. Last evaluated: 2021-09-30. Review status: criteria provided, single submitter. Criteria: Invitae Variant Classification Sherloc (09022015). Collection method: clinical testing. Allele origin: germline.
Comment: This sequence change replaces aspartic acid with alanine at codon 411 of the GNS protein (p.Asp411Ala). The aspartic acid residue is highly conserved and there is a moderate physicochemical difference between aspartic acid and alanine. This variant is not present in population databases (ExAC no frequency). This variant has not been reported in the literature in individuals with GNS-related disease. Algorithms developed to predict the effect of missense changes on protein structure and function do not agree on the potential impact of this missense change (SIFT: "Deleterious"; PolyPhen-2: "Possibly Damaging"; Align-GVGD: "Class C15"). In summary, the available evidence is currently insufficient to determine the role of this variant in disease. Therefore, it has been classified as a Variant of Uncertain Significance.

NM_002076.4(GNS):c.1232A>C (p.Asp411Ala)

Gene: GNS (glucosamine (N-acetyl)-6-sulfatase; minus strand). Cytogenetic location: 12q14.3.
Variant type: single nucleotide variant.
Coding change: c.1232A>C on transcript NM_002076.4 (MANE Select); coding-DNA position 1232, A replaced by C.
Protein change: p.Asp411Ala; replaces aspartic acid 411 with alanine.
Molecular consequence: missense variant.
Genome position (GRCh38, 1-based): chr12:64,723,082, T>G on the plus strand (A>C on the coding strand, the complement: GNS is on the minus strand). VCF-style: chr12-64723082-T-G. GRCh37 (hg19) VCF-style: chr12-65116862-T-G.
Other names: short protein forms D411A.
Identifiers: ClinVar variation 2061075 (VCV002061075.1), dbSNP rs1486098293, ClinGen allele CA385603285.